The following is an entry in ClinVar:

ClinVar aggregate classification (germline): Uncertain significance (1 of 4 stars; one submission).

Conditions:
Cardiovascular phenotype. Identifiers: MedGen CN230736.

Submission:

Ambry Genetics
Classification: Uncertain significance for Cardiovascular phenotype. Last evaluated: 2026-09-14. Review status: criteria provided, single submitter. Criteria: Ambry Variant Classification Scheme 2023. Collection method: clinical testing. Allele origin: germline.
Comment: The p.R3820L variant (also known as c.11459G>T), located in coding exon 43 of the ANK2 gene, results from a G to T substitution at nucleotide position 11459. The arginine at codon 3820 is replaced by leucine, an amino acid with dissimilar properties. This amino acid position is poorly conserved in available vertebrate species. In addition, the in silico prediction for this alteration is inconclusive. Based on the available evidence, the clinical significance of this variant remains unclear.

NM_001148.6(ANK2):c.11459G>T (p.Arg3820Leu)

Gene: ANK2 (ankyrin 2; plus strand). Cytogenetic location: 4q26.
Variant type: single nucleotide variant.
Coding change: c.11459G>T on transcript NM_001148.6 (MANE Select); coding-DNA position 11459, G replaced by T.
Protein change: p.Arg3820Leu; replaces arginine 3820 with leucine.
Molecular consequence: missense variant.
Genome position (GRCh38, 1-based): chr4:113,369,654, G>T. VCF-style: chr4-113369654-G-T. GRCh37 (hg19) VCF-style: chr4-114290810-G-T.
Other names: c.5216G>T, p.Arg1739Leu (NM_001354225.2); c.5105G>T, p.Arg1702Leu (NM_001354228.2, NM_001354258.2); c.5183G>T, p.Arg1728Leu (NM_001354230.2); c.5246G>T, p.Arg1749Leu (NM_001354231.2, NM_001354242.2); c.5240G>T, p.Arg1747Leu (NM_001354232.2); c.5201G>T, p.Arg1734Leu (NM_001354235.2, NM_001354246.2, NM_001354265.2); c.5102G>T, p.Arg1701Leu (NM_001354236.2); c.5282G>T, p.Arg1761Leu (NM_001354237.2); and 35 more; short protein forms R1574L, R1657L, R1673L, R1680L, R1690L, R1702L, R1713L, R1718L.
Identifiers: ClinVar variation 5022164 (VCV005022164.1).